The following is an entry in ClinVar:

ClinVar aggregate classification (germline): Conflicting classifications of pathogenicity. Review status: criteria provided, conflicting classifications (1 of 4 stars). 8 submissions from 8 submitters: Uncertain significance (4); Likely benign (2). 2 of the submissions do not count toward it. Last evaluated 2026-01-02.

Conditions:
Finnish congenital nephrotic syndrome (NPHS1). Also called: NEPHROTIC SYNDROME, TYPE 1. Identifiers: Orphanet 839, MedGen C0403399, MONDO:0009732, OMIM 256300.
Congenital nephrotic syndrome. Also called: Familial nephrotic syndrome. Identifiers: MedGen C3501848, MeSH C535761, MONDO:0002350, HP:0008677.
NPHS1-related disorder. Also called: NPHS1-related condition.

Allele frequency attached by ClinVar (database versions not stated): gnomAD exomes 0.00032 and 0.00103; ExAC 0.00034; TOPMed 0.00043; gnomAD 0.00050 and 0.00051; ESP Exome Variant Server 0.00054.
gnomAD v4.1: 1,355 of 1,422,266 alleles (0.095%); highest among the groups gnomAD compares: Non-Finnish European, 0.12%; 1 homozygote.

Submissions (8):

Labcorp Genetics (formerly Invitae), Labcorp
Classification: Likely benign. Last evaluated: 2026-01-02. Review status: criteria provided, single submitter. Criteria: Invitae Variant Classification Sherloc (09022015). Collection method: clinical testing. Allele origin: germline.

Mayo Clinic Laboratories, Mayo Clinic
Classification: Uncertain significance. Last evaluated: 2025-09-25. Review status: criteria provided, single submitter. Criteria: ACMG Guidelines, 2015. Collection method: clinical testing. Allele origin: germline. Observed: 1 variant allele.
Comment: PP3

Blueprint Genetics
Classification: Uncertain significance. Last evaluated: 2024-10-02. Review status: criteria provided, single submitter. Criteria: ACMG Guidelines, 2015. Collection method: clinical testing. Allele origin: germline.

Fulgent Genetics
Classification: Likely benign for Finnish congenital nephrotic syndrome. Last evaluated: 2024-02-15. Review status: criteria provided, single submitter. Criteria: ACMG Guidelines, 2015. Collection method: clinical testing. Allele origin: germline.

Athena Diagnostics
Classification: Uncertain significance. Last evaluated: 2021-06-22. Review status: criteria provided, single submitter. Criteria: Athena Diagnostics Criteria. Collection method: clinical testing. Allele origin: unknown.

Illumina Laboratory Services, Illumina
Classification: Uncertain significance for Congenital nephrotic syndrome. Last evaluated: 2017-04-27. Review status: criteria provided, single submitter. Criteria: ICSL Variant Classification Criteria 13 December 2019. Collection method: clinical testing. Allele origin: germline.

PreventionGenetics, part of Exact Sciences
Classification: Uncertain significance for NPHS1-related condition. Last evaluated: 2024-02-22. Review status: no assertion criteria provided. Collection method: clinical testing. Allele origin: germline. Not counted in ClinVar's aggregate classification.
Comment: The NPHS1 c.1619C>A variant is predicted to result in the amino acid substitution p.Ala540Glu. To our knowledge, this variant has not been reported in the literature. This variant is reported in 0.068% of alleles in individuals of European (Non-Finnish) descent in gnomAD. Although we suspect that this variant may be benign, at this time, the clinical significance of this variant is uncertain due to the absence of conclusive functional and genetic evidence.

Natera, Inc.
Classification: Uncertain significance for Finnish congenital nephrotic syndrome. Last evaluated: 2019-12-05. Review status: no assertion criteria provided. Collection method: clinical testing. Allele origin: germline. Not counted in ClinVar's aggregate classification.

Literature cited by the submitters: PubMed 24371179 (cited by Athena Diagnostics).

NM_004646.4(NPHS1):c.1619C>A (p.Ala540Glu)

Gene: NPHS1 (NPHS1 adhesion molecule, nephrin; minus strand). Cytogenetic location: 19q13.12.
Variant type: single nucleotide variant.
Coding change: c.1619C>A on transcript NM_004646.4 (MANE Select); coding-DNA position 1619, C replaced by A.
Protein change: p.Ala540Glu; replaces alanine 540 with glutamic acid.
Molecular consequence: missense variant.
Genome position (GRCh38, 1-based): chr19:35,846,016, G>T on the plus strand (C>A on the coding strand, the complement: NPHS1 is on the minus strand). VCF-style: chr19-35846016-G-T. GRCh37 (hg19) VCF-style: chr19-36336918-G-T.
Other names: p.Ala540Glu; short protein forms A540E.
Identifiers: ClinVar variation 447874 (VCV000447874.20), dbSNP rs149598144, ClinGen allele CA9390387.
Genomic context (GRCh38, chr19:35,846,016, plus strand): 5'-TGGCTCTGTCCCTCCCGCCCCGCCCCCGGGCCTCAGCAGTGCGAGCCCTCACACTGCACC[G>T]CCAGCTGCGTGGACGCGCTGAGCTGTCCAGCCTTGCACGTGAACTTGGCCTGGTTGTCCG-3'
Protein context (NP_004637.1, residues 530-550): AGQLSASTQL[Ala540Glu]VQFPPTNVTI